The following is an entry in ClinVar:

NM_004211.5(SLC6A5):c.538_539del (p.Gln180fs)

Gene: SLC6A5 (solute carrier family 6 member 5; plus strand). Cytogenetic location: 11p15.1.
Variant type: Deletion.
Coding change: c.538_539del on transcript NM_004211.5 (MANE Select); coding-DNA positions 538 to 539, 2 bases deleted (CA; older notation c.538_539delCA).
Protein change: p.Gln180fs; shifts the reading frame from glutamine 180.
Molecular consequence: frameshift variant. On other transcripts: 5 prime UTR variant (1).
Genome position (GRCh38, 1-based): chr11:20,601,663-20,601,664, CA deleted. VCF-style (leftmost placement, unchanged base first): chr11-20601662-CCA-C. GRCh37 (hg19) VCF-style: chr11-20623208-CCA-C.
Other names: c.-26_-25del (NM_001318369.2); short protein forms Q180fs.
Identifiers: ClinVar variation 4711307 (VCV004711307.1).
Genomic context (GRCh38, chr11:20,601,662, plus strand): 5'-GGTGCTGGCCACGGATGGAATCACGTCCGTGCTCCCGGGCAGCGTGGCCACCGTTGCCAC[CCA>C]GGTAAGCAGGTTGCATTACGGCCCGCACAGTGTCCTGCTCTCCAGCTGCGCGAGAGAGGC-3'

ClinVar aggregate classification (germline): Pathogenic (1 of 4 stars; one submission).

Conditions:
Hyperekplexia 3 (HKPX3). Also called: HYPEREKPLEXIA 3, AUTOSOMAL RECESSIVE; HYPEREKPLEXIA 3, AUTOSOMAL DOMINANT. Identifiers: Orphanet 3197, MedGen C3553288, MONDO:0013827, OMIM 614618.

Submission:

Labcorp Genetics (formerly Invitae), Labcorp
Classification: Pathogenic for Hyperekplexia 3. Last evaluated: 2025-12-22. Review status: criteria provided, single submitter. Criteria: Invitae Variant Classification Sherloc (09022015). Collection method: clinical testing. Allele origin: germline.
Comment: This sequence change creates a premature translational stop signal (p.Gln180Glyfs*7) in the SLC6A5 gene. It is expected to result in an absent or disrupted protein product. Loss-of-function variants in SLC6A5 are known to be pathogenic (PMID: 14622583, 16751771, 22700964). This variant is not present in population databases (gnomAD no frequency). This variant has not been reported in the literature in individuals affected with SLC6A5-related conditions. For these reasons, this variant has been classified as Pathogenic.

Literature cited by the submitters: PubMed 14622583; PubMed 16751771; PubMed 22700964.